The following is an entry in ClinVar:

ClinVar aggregate classification (germline): Uncertain significance (1 of 4 stars; one submission).

Conditions:
Combined immunodeficiency due to CTPS1 deficiency. Also called: Immunodeficiency 24; Severe combined immunodeficiency due to CTPS1 deficiency. Identifiers: Orphanet 420573, MedGen C4014617, MONDO:0014391, OMIM 615897.

Submission:

Labcorp Genetics (formerly Invitae), Labcorp
Classification: Uncertain significance for Combined immunodeficiency due to CTPS1 deficiency. Last evaluated: 2018-01-01. Review status: criteria provided, single submitter. Criteria: Invitae Variant Classification Sherloc (09022015). Collection method: clinical testing. Allele origin: germline.
Comment: This sequence change replaces aspartic acid with glutamic acid at codon 212 of the CTPS1 protein (p.Asp212Glu). The aspartic acid residue is highly conserved and there is a small physicochemical difference between aspartic acid and glutamic acid. This variant is not present in population databases (ExAC no frequency). This variant has not been reported in the literature in individuals with CTPS1-related disease. Algorithms developed to predict the effect of missense changes on protein structure and function do not agree on the potential impact of this missense change (SIFT: "Tolerated"; PolyPhen-2: "Possibly Damaging"; Align-GVGD: "Class C0"). In summary, the available evidence is currently insufficient to determine the role of this variant in disease. Therefore, it has been classified as a Variant of Uncertain Significance.

NM_001905.4(CTPS1):c.636T>A (p.Asp212Glu)

Gene: CTPS1 (CTP synthase 1; plus strand). Cytogenetic location: 1p34.2.
Variant type: single nucleotide variant.
Coding change: c.636T>A on transcript NM_001905.4 (MANE Select); coding-DNA position 636, T replaced by A.
Protein change: p.Asp212Glu; replaces aspartic acid 212 with glutamic acid.
Molecular consequence: missense variant. On other transcripts: non-coding transcript variant (1).
Genome position (GRCh38, 1-based): chr1:40,991,245, T>A. VCF-style: chr1-40991245-T-A. GRCh37 (hg19) VCF-style: chr1-41456917-T-A.
Other names: c.168T>A, p.Asp56Glu (NM_001301237.2); short protein forms D212E, D56E.
Identifiers: ClinVar variation 566259 (VCV000566259.8), dbSNP rs1558142847, ClinGen allele CA339903364.